The following is an entry in ClinVar:

ClinVar aggregate classification (germline): Benign (1 of 4 stars; one submission).

Allele frequency attached by ClinVar (database versions not stated): gnomAD 0.06180 and 0.06410; TOPMed 0.06460; 1000 Genomes Project 30x 0.07776; 1000 Genomes Project 0.08027.
gnomAD v4.1: 9,850 of 152,034 alleles (6.5%); highest among the groups gnomAD compares: East Asian, 17%; 410 homozygotes.

Submission:

GeneDx
Classification: Benign. Last evaluated: 2018-06-14. Review status: criteria provided, single submitter. Criteria: GeneDx Variant Classification (06012015). Collection method: clinical testing. Allele origin: germline. Affected: yes.
Comment: This variant is considered likely benign or benign based on one or more of the following criteria: it is a conservative change, it occurs at a poorly conserved position in the protein, it is predicted to be benign by multiple in silico algorithms, and/or has population frequency not consistent with disease.

NM_005006.7(NDUFS1):c.1709-291A>G

Gene: NDUFS1 (NADH:ubiquinone oxidoreductase core subunit S1; minus strand). Cytogenetic location: 2q33.3.
Variant type: single nucleotide variant.
Coding change: c.1709-291A>G on transcript NM_005006.7 (MANE Select); 291 bases into the intron before coding-DNA position 1709, A replaced by G.
Molecular consequence: intron variant.
Genome position (GRCh38, 1-based): chr2:206,128,263, T>C on the plus strand (A>G on the coding strand, the complement: NDUFS1 is on the minus strand). VCF-style: chr2-206128263-T-C. GRCh37 (hg19) VCF-style: chr2-206992987-T-C.
Other names: c.1376-291A>G (NM_001199982.2); c.1538-291A>G (NM_001199983.2); c.1601-291A>G (NM_001199981.2); c.1751-291A>G (NM_001199984.2).
Identifiers: ClinVar variation 669517 (VCV000669517.1), dbSNP rs12472329, ClinGen allele CA11344021.
Genomic context (GRCh38, chr2:206,128,263, plus strand): 5'-TCGCCCAGGCTGGAGTGCAGTGGTGCAATCTTGGCTCACAGCAAGCTCTGCCTCCTGGGT[T>C]CATGCCATTCTTCTGTCTCAGCCTCCCAAGTAGCTGGGACTACAGGTGCCTGCCACCACA-3'